The following is an entry in ClinVar:

ClinVar aggregate classification (germline): Uncertain significance (1 of 4 stars; one submission).

Conditions:
Diamond-Blackfan anemia 8 (DBA8). Also called: RPS7-Related Diamond-Blackfan Anemia. Identifiers: Orphanet 124, MedGen C2675511, MONDO:0012939, OMIM 612563.

Submission:

Labcorp Genetics (formerly Invitae), Labcorp
Classification: Uncertain significance for Diamond-Blackfan anemia 8. Last evaluated: 2024-05-15. Review status: criteria provided, single submitter. Criteria: Invitae Variant Classification Sherloc (09022015). Collection method: clinical testing. Allele origin: germline.
Comment: This sequence change replaces isoleucine, which is neutral and non-polar, with valine, which is neutral and non-polar, at codon 139 of the RPS7 protein (p.Ile139Val). This variant is not present in population databases (gnomAD no frequency). This variant has not been reported in the literature in individuals affected with RPS7-related conditions. An algorithm developed to predict the effect of missense changes on protein structure and function (PolyPhen-2) suggests that this variant is likely to be tolerated. In summary, the available evidence is currently insufficient to determine the role of this variant in disease. Therefore, it has been classified as a Variant of Uncertain Significance.

NM_001011.4(RPS7):c.415A>G (p.Ile139Val)

Gene: RPS7 (ribosomal protein S7; plus strand). Cytogenetic location: 2p25.3.
Variant type: single nucleotide variant.
Coding change: c.415A>G on transcript NM_001011.4 (MANE Select); coding-DNA position 415, A replaced by G.
Protein change: p.Ile139Val; replaces isoleucine 139 with valine.
Molecular consequence: missense variant.
Genome position (GRCh38, 1-based): chr2:3,580,168, A>G. VCF-style: chr2-3580168-A-G. GRCh37 (hg19) VCF-style: chr2-3627758-A-G.
Other names: short protein forms I139V.
Identifiers: ClinVar variation 3697514 (VCV003697514.2).